The following is an entry in ClinVar:

ClinVar aggregate classification (germline): Uncertain significance (1 of 4 stars; one submission).

gnomAD v4.1: 3 of 1,603,380 alleles (0.00019%); highest among the groups gnomAD compares: East Asian, 0.0067%; no homozygotes.

Submission:

Ambry Genetics
Classification: Uncertain significance. Last evaluated: 2025-07-03. Review status: criteria provided, single submitter. Criteria: Ambry Variant Classification Scheme 2023. Collection method: clinical testing. Allele origin: germline.
Comment: The p.S443T variant (also known as c.1327T>A), located in coding exon 12 of the GEN1 gene, results from a T to A substitution at nucleotide position 1327. The serine at codon 443 is replaced by threonine, an amino acid with similar properties. This amino acid position is conserved. In addition, this alteration is predicted to be tolerated by in silico analysis. Based on the available evidence, the clinical significance of this variant remains unclear.

NM_001130009.3(GEN1):c.1327T>A (p.Ser443Thr)

Gene: GEN1 (GEN1 Holliday junction 5' flap endonuclease; plus strand). Cytogenetic location: 2p24.2.
Variant type: single nucleotide variant.
Coding change: c.1327T>A on transcript NM_001130009.3 (MANE Select); coding-DNA position 1327, T replaced by A.
Protein change: p.Ser443Thr; replaces serine 443 with threonine.
Molecular consequence: missense variant.
Genome position (GRCh38, 1-based): chr2:17,780,040, T>A. VCF-style: chr2-17780040-T-A. GRCh37 (hg19) VCF-style: chr2-17961307-T-A.
Other names: c.1327T>A, p.Ser443Thr (NM_182625.5); short protein forms S443T.
Identifiers: ClinVar variation 4263008 (VCV004263008.1).